The following is an entry in ClinVar:

ClinVar aggregate classification (germline): Benign. Review status: criteria provided, multiple submitters, no conflicts (2 of 4 stars). 4 submissions from 4 submitters: Benign (4). Last evaluated 2026-01-15.

Conditions:
46 XY differences of sex development. Also called: 46,XY disorder of sex development; 46, XY disorder of sex development (DSD). Identifiers: Orphanet 98085, MedGen C2751824, MONDO:0020040.
Oligosynaptic infertility (SPGF1). Also called: OLIGOCHIASMATIC INFERTILITY; SPERMATOGENIC FAILURE 1. Identifiers: MedGen C0403810, MONDO:0009776, OMIM 258150.

Allele frequency attached by ClinVar (database versions not stated): gnomAD exomes 0.00109 and 0.00277; ExAC 0.00588; ESP Exome Variant Server 0.00955; gnomAD 0.01212 and 0.01323; 1000 Genomes Project 0.01338; TOPMed 0.01364; 1000 Genomes Project 30x 0.01405.
gnomAD v4.1: 3,455 of 1,556,436 alleles (0.22%); highest among the groups gnomAD compares: African/African-American, 4.2%; 80 homozygotes.

Submissions (4):

Labcorp Genetics (formerly Invitae), Labcorp
Classification: Benign for 46 XY differences of sex development; Oligosynaptic infertility. Last evaluated: 2026-01-15. Review status: criteria provided, single submitter. Criteria: Invitae Variant Classification Sherloc (09022015). Collection method: clinical testing. Allele origin: germline.

CeGaT Center for Human Genetics Tuebingen
Classification: Benign. Last evaluated: 2024-05-01. Review status: criteria provided, single submitter. Criteria: CeGaT Center For Human Genetics Tuebingen Variant Classification Criteria Version 2. Collection method: clinical testing. Allele origin: germline. Affected: yes. Observed: 1 variant allele.
Comment: NR5A1: BP4, BP7, BS1, BS2

GeneDx
Classification: Benign. Last evaluated: 2017-10-20. Review status: criteria provided, single submitter. Criteria: GeneDx Variant Classification (06012015). Collection method: clinical testing. Allele origin: germline. Affected: yes.
Comment: This variant is considered likely benign or benign based on one or more of the following criteria: it is a conservative change, it occurs at a poorly conserved position in the protein, it is predicted to be benign by multiple in silico algorithms, and/or has population frequency not consistent with disease.

Breakthrough Genomics
Classification: Benign. Review status: criteria provided, single submitter. Criteria: ACMG Guidelines, 2015. Collection method: not provided. Allele origin: germline. Inheritance: Autosomal dominant inheritance. Affected: yes.

NM_004959.5(NR5A1):c.594G>A (p.Pro198=)

Gene: NR5A1 (nuclear receptor subfamily 5 group A member 1; minus strand). Cytogenetic location: 9q33.3.
Variant type: single nucleotide variant.
Coding change: c.594G>A on transcript NM_004959.5 (MANE Select); coding-DNA position 594, G replaced by A.
Protein change: p.Pro198=; no amino-acid change (proline 198 retained).
Molecular consequence: synonymous variant.
Genome position (GRCh38, 1-based): chr9:124,500,366, C>T on the plus strand (G>A on the coding strand, the complement: NR5A1 is on the minus strand). VCF-style: chr9-124500366-C-T. GRCh37 (hg19) VCF-style: chr9-127262645-C-T.
Identifiers: ClinVar variation 506302 (VCV000506302.70), dbSNP rs142414614, ClinGen allele CA5235439.